The following is an entry in ClinVar:

ClinVar aggregate classification (germline): Uncertain significance. Review status: criteria provided, multiple submitters, no conflicts (2 of 4 stars). 5 submissions from 5 submitters: Uncertain significance (4). 1 of the submissions does not count toward it. Last evaluated 2025-06-17.

Conditions:
SMPD1-related disorder. Also called: SMPD1-related condition.
Niemann-Pick disease, type A. Also called: SPHINGOMYELIN LIPIDOSIS; SPHINGOMYELINASE DEFICIENCY; Infantile Neurovisceral ASMD (Niemann-Pick Disease Type A; NPD-A). Identifiers: Orphanet 77292, MedGen C0268242, MONDO:0009756, OMIM 257200. Disease mechanism: loss of function.
Niemann-Pick disease, type B. Also called: Chronic Visceral ASMD (Niemann-Pick Disease Type B; NPD-B). Identifiers: Orphanet 77293, MedGen C0268243, MONDO:0011871, OMIM 607616. Disease mechanism: loss of function.

Allele frequency attached by ClinVar (database versions not stated): gnomAD 0.00005; gnomAD exomes 0.00006 and 0.00014; TOPMed 0.00009; ExAC 0.00010; 1000 Genomes Project 30x 0.00016; 1000 Genomes Project 0.00020.
gnomAD v4.1: 105 of 1,613,942 alleles (0.0065%); highest among the groups gnomAD compares: Admixed American, 0.013%; no homozygotes.

Submissions (5):

GeneDx
Classification: Uncertain significance. Last evaluated: 2025-06-17. Review status: criteria provided, single submitter. Criteria: GeneDx Variant Classification Process June 2021. Collection method: clinical testing. Allele origin: germline. Affected: yes.
Comment: Reported previously as a variant of unknown significance in a patient with Parkinson disease; however, this variant was also seen in a control sample. No further clinical or segregation information was provided (PMID: 30788890); Reported previously as a variant of uncertain significance with another SMPD1 variant in a patient with autism, developmental delay, splenomegaly, and obesity; phase not determined (PMID: 35753512); In silico analysis supports that this missense variant has a deleterious effect on protein structure/function; This variant is associated with the following publications: (PMID: 30788890, 35753512)

Labcorp Genetics (formerly Invitae), Labcorp
Classification: Uncertain significance for Niemann-Pick disease, type B; Niemann-Pick disease, type A. Last evaluated: 2022-04-16. Review status: criteria provided, single submitter. Criteria: Invitae Variant Classification Sherloc (09022015). Collection method: clinical testing. Allele origin: germline.
Comment: This sequence change replaces arginine, which is basic and polar, with cysteine, which is neutral and slightly polar, at codon 389 of the SMPD1 protein (p.Arg389Cys). This variant is present in population databases (rs570674743, gnomAD 0.2%). This variant has not been reported in the literature in individuals affected with SMPD1-related conditions. ClinVar contains an entry for this variant (Variation ID: 289909). Advanced modeling of protein sequence and biophysical properties (such as structural, functional, and spatial information, amino acid conservation, physicochemical variation, residue mobility, and thermodynamic stability) performed at Invitae indicates that this missense variant is expected to disrupt SMPD1 protein function. In summary, the available evidence is currently insufficient to determine the role of this variant in disease. Therefore, it has been classified as a Variant of Uncertain Significance.

Revvity Omics, Revvity
Classification: Uncertain significance. Last evaluated: 2019-09-23. Review status: criteria provided, single submitter. Criteria: ACMG Guidelines, 2015. Collection method: clinical testing. Allele origin: germline.

Eurofins Ntd Llc (ga)
Classification: Uncertain significance. Last evaluated: 2016-08-11. Review status: criteria provided, single submitter. Criteria: EGL Classification Definitions 2015. Collection method: clinical testing. Allele origin: germline. Observed: 1 variant allele, 1 heterozygote.

PreventionGenetics, part of Exact Sciences
Classification: Uncertain significance for SMPD1-related condition. Last evaluated: 2024-07-31. Review status: no assertion criteria provided. Collection method: clinical testing. Allele origin: germline. Not counted in ClinVar's aggregate classification.
Comment: The SMPD1 c.1165C>T variant is predicted to result in the amino acid substitution p.Arg389Cys. This variant was reported in an individual with Niemann-Pick disease, type B (Similuk et al 2022. PubMed ID: 35753512). This variant is reported in 0.23% of alleles in individuals of Ashkenazi Jewish descent in gnomAD. At this time, the clinical significance of this variant is uncertain due to the absence of conclusive functional and genetic evidence.

NM_000543.5(SMPD1):c.1165C>T (p.Arg389Cys)

Gene: SMPD1 (sphingomyelin phosphodiesterase 1; plus strand). Cytogenetic location: 11p15.4.
Variant type: single nucleotide variant.
Coding change: c.1165C>T on transcript NM_000543.5 (MANE Select); coding-DNA position 1165, C replaced by T.
Protein change: p.Arg389Cys; replaces arginine 389 with cysteine.
Molecular consequence: missense variant. On other transcripts: non-coding transcript variant (1), intron variant (1).
Genome position (GRCh38, 1-based): chr11:6,393,289, C>T. VCF-style: chr11-6393289-C-T. GRCh37 (hg19) VCF-style: chr11-6414519-C-T.
Other names: c.1162C>T, p.Arg388Cys (NM_001007593.3); c.1165C>T, p.Arg389Cys (NM_001318087.2); c.244C>T, p.Arg82Cys (NM_001318088.2); c.1132-328C>T (NM_001365135.2); short protein forms R389C, R388C, R82C.
Identifiers: ClinVar variation 289909 (VCV000289909.16), dbSNP rs570674743, ClinGen allele CA5852801.
Genomic context (GRCh38, chr11:6,393,289, plus strand): 5'-TATGCTCTTTCCCCATACCCCGGTCTCCGCCTCATCTCTCTCAATATGAATTTTTGTTCC[C>T]GTGAGAACTTCTGGCTCTTGATCAACTCCACGGATCCCGCAGGACAGCTCCAGTGGCTGG-3'
Protein context (NP_000534.3, residues 379-399): LISLNMNFCS[Arg389Cys]ENFWLLINST